The following is an entry in ClinVar:

ClinVar aggregate classification (germline): Uncertain significance (1 of 4 stars; one submission).

Conditions:
Inborn genetic diseases. Identifiers: MedGen C0950123, MeSH D030342.

gnomAD v4.1: 2 of 1,612,140 alleles (0.00012%); highest among the groups gnomAD compares: South Asian, 0.0011%; no homozygotes.

Submission:

Ambry Genetics
Classification: Uncertain significance for Inborn genetic diseases. Last evaluated: 2025-03-30. Review status: criteria provided, single submitter. Criteria: Ambry Variant Classification Scheme 2023. Collection method: clinical testing. Allele origin: germline.
Comment: The p.P1170T variant (also known as c.3508C>A), located in coding exon 21 of the RECQL4 gene, results from a C to A substitution at nucleotide position 3508. The proline at codon 1170 is replaced by threonine, an amino acid with highly similar properties. This amino acid position is conserved. In addition, this alteration is predicted to be deleterious by in silico analysis. Based on the available evidence, the clinical significance of this variant remains unclear.

NM_004260.4(RECQL4):c.3508C>A (p.Pro1170Thr)

Gene: RECQL4 (RecQ like helicase 4; minus strand). Cytogenetic location: 8q24.3.
Variant type: single nucleotide variant.
Coding change: c.3508C>A on transcript NM_004260.4 (MANE Select); coding-DNA position 3508, C replaced by A.
Protein change: p.Pro1170Thr; replaces proline 1170 with threonine.
Molecular consequence: missense variant. On other transcripts: non-coding transcript variant (3).
Genome position (GRCh38, 1-based): chr8:144,511,550, G>T on the plus strand (C>A on the coding strand, the complement: RECQL4 is on the minus strand). VCF-style: chr8-144511550-G-T. GRCh37 (hg19) VCF-style: chr8-145736933-G-T.
Other names: c.3214C>A, p.Pro1072Thr (NM_001413017.1); c.3310C>A, p.Pro1104Thr (NM_001413018.1); c.3583C>A, p.Pro1195Thr (NM_001413019.1); c.3412C>A, p.Pro1138Thr (NM_001413020.1); c.2437C>A, p.Pro813Thr (NM_001413021.1, NM_001413022.1, NM_001413024.1 and 4 more transcripts); c.2512C>A, p.Pro838Thr (NM_001413023.1); c.3379C>A, p.Pro1127Thr (NM_001413025.1); c.2371C>A, p.Pro791Thr (NM_001413027.1, NM_001413030.1, NM_001413032.1); and 9 more; short protein forms P1072T, P816T, P1138T, P1170T, P791T, P813T, P1053T, P1104T.
Identifiers: ClinVar variation 3944256 (VCV003944256.1).